The following is an entry in ClinVar:

ClinVar aggregate classification (germline): Uncertain significance (3 of 4 stars; one submission).

Conditions:
Open-angle glaucoma. Identifiers: MedGen C0017612, MONDO:0005338, HP:0012108.

Submission:

ClinGen Glaucoma Variant Curation Expert Panel
Classification: Uncertain significance for Open-angle glaucoma. Last evaluated: 2026-01-12. Review status: reviewed by expert panel. Criteria: ClinGen Glaucoma ACMG Specifications V2.0.0 Approved. Collection method: curation. Allele origin: germline. Inheritance: Autosomal dominant inheritance.
Comment: The c.1357delT variant in MYOC is a deletion of a single nucleotide, predicted to encode a frameshift with consequent premature termination of the protein at codon 11 of the frameshift, or amino acid 464 (p.Tyr453MetfsTer11). This variant is predicted to cause a deletion of < 10% of the protein within the conserved olfactomedin domain, meeting PM4_Supporting. PVS1 did not apply, as the disease mechanism for MYOC variants associated with primary open angle glaucoma is not loss-of-function. The highest minor allele frequency of this variant was in the African/African American genetic ancestry group of gnomAD (v4.1.0) = 0.0006529 (49 alleles out of 75,048), which did not meet the PM2_Supporting allele frequency threshold (≤ 0.0001) or the BS1 allele frequency threshold (≥ 0.001). There was no computational or functional evidence predicting a damaging or benign impact of this variant on MYOC function. Only 2 segregations had been reported for primary open angle glaucoma (PMID: 25330346), not meeting the ≥ 3 segregations required for PP1. Although probands with juvenile or primary open angle glaucoma have been reported carrying this variant, PM2_Supporting was not met, therefore PS4 did not apply. In summary, this variant met the criteria to receive a score of 1 and to be classified as a variant of uncertain significance (uncertain significance classification range -1 to 5, adapted from PMID: 32720330) for primary open angle glaucoma based on the ACMG/AMP criteria met, as specified by the ClinGen Glaucoma VCEP (v2.0.0, 5 Dec 2024): PM4_Supporting.

NM_000261.2(MYOC):c.1357del (p.Tyr453fs)

Gene: MYOC (myocilin; minus strand). Cytogenetic location: 1q24.3.
Variant type: Deletion.
Coding change: c.1357del on transcript NM_000261.2 (MANE Select); coding-DNA position 1357, one base deleted (T; older notation c.1357delT).
Protein change: p.Tyr453fs; shifts the reading frame from tyrosine 453.
Molecular consequence: frameshift variant.
Genome position (GRCh38, 1-based): chr1:171,636,083, A deleted on the plus strand (T on the coding strand, the reverse complement: MYOC is on the minus strand); the first of 2 consecutive A bases (chr1:171,636,083-171,636,084); deleting either gives the same sequence. VCF-style (leftmost placement, unchanged base first): chr1-171636082-TA-T. GRCh37 (hg19) VCF-style: chr1-171605222-TA-T.
Other names: NM_000261.2:c.1356del; short protein forms Y453fs.
Identifiers: ClinVar variation 1686784 (VCV001686784.3), dbSNP rs576458696, ClinGen allele CA1244034.
Genomic context (GRCh38, chr1:171,636,082, plus strand): 5'-TACTTATAGCGGTTCTTGAATGGGATGGTCAGGGTCTTGCTGATACCTGTGCCTGTGTCA[TA>T]AGCAAAGTTGACGGTAGCATCTGCTGAGGTGTAGCTGCTGACGGTGTACAAGGTGCCACA-3'